The following is an entry in ClinVar:

ClinVar aggregate classification (germline): Conflicting classifications of pathogenicity. Review status: criteria provided, conflicting classifications (1 of 4 stars). 2 submissions from 2 submitters: Uncertain significance (1); Likely benign (1). Last evaluated 2023-02-24.

Conditions:
Hypokalemic periodic paralysis, type 1. Also called: HypoPP; Hypokalemic Periodic Paralysis Type 1 (AD). Identifiers: Orphanet 681, MedGen C3714580, MONDO:0042979, OMIM 170400.
Malignant hyperthermia, susceptibility to, 5 (MHS5). Also called: CACNA1S-Related Malignant Hyperthermia Susceptibility. Identifiers: Orphanet 423, MedGen C1866077, MONDO:0011163, OMIM 601887.

Allele frequency attached by ClinVar (database versions not stated): TOPMed below 0.00001; gnomAD 0.00001; gnomAD exomes 0.00001; ExAC 0.00002.
gnomAD v4.1: 12 of 1,613,922 alleles (0.00074%); highest among the groups gnomAD compares: East Asian, 0.02%; no homozygotes.

Submissions (2):

All of Us Research Program, National Institutes of Health
Classification: Uncertain significance for Malignant hyperthermia, susceptibility to, 5. Last evaluated: 2023-02-24. Review status: criteria provided, single submitter. Criteria: ACMG Guidelines, 2015. Collection method: clinical testing. Allele origin: germline. Inheritance: Autosomal dominant inheritance. Observed: 1 variant allele, 1 heterozygote.
Comment: This variant is located in the CACNA1S protein. To our knowledge, functional studies have not been reported for this variant. This variant has not been reported in individuals affected with CACNA1S-related disorders in the literature. This variant has been identified in 2/250090 chromosomes in the general population by the Genome Aggregation Database (gnomAD). The available evidence is insufficient to determine the role of this variant in disease conclusively. Therefore, this variant is classified as a Variant of Uncertain Significance.

This study involves interpretation of variants in research participants for the purpose of population health screening. Participant phenotype was not available at the time of variant classification. Additional details can be found in publication PMID: 35346344, PMCID: PMC8962531

Labcorp Genetics (formerly Invitae), Labcorp
Classification: Likely benign for Hypokalemic periodic paralysis, type 1; Malignant hyperthermia, susceptibility to, 5. Last evaluated: 2022-08-13. Review status: criteria provided, single submitter. Criteria: Invitae Variant Classification Sherloc (09022015). Collection method: clinical testing. Allele origin: germline.

NM_000069.3(CACNA1S):c.564C>T (p.Ser188=)

Gene: CACNA1S (calcium voltage-gated channel subunit alpha1 S; minus strand). Cytogenetic location: 1q32.1.
Variant type: single nucleotide variant.
Coding change: c.564C>T on transcript NM_000069.3 (MANE Select); coding-DNA position 564, C replaced by T.
Protein change: p.Ser188=; no amino-acid change (serine 188 retained).
Molecular consequence: synonymous variant.
Genome position (GRCh38, 1-based): chr1:201,091,770, G>A on the plus strand (C>T on the coding strand, the complement: CACNA1S is on the minus strand). VCF-style: chr1-201091770-G-A. GRCh37 (hg19) VCF-style: chr1-201060898-G-A.
Identifiers: ClinVar variation 1623388 (VCV001623388.11), dbSNP rs769008033, ClinGen allele CA083910.
Genomic context (GRCh38, chr1:201,091,770, plus strand): 5'-GATGACCATAAAGAGGACCAGCAGGGCGATGTGAAAGAGGGGGAGCATGGCCTTGAAGAT[G>A]GAGTTCAGGACCACCTGCAGGCCTGCAGAGGCAGGCAGGGAAGGGAAAAGAGGAGTCGCC-3'
Protein context (NP_000060.2, residues 178-198): GVPSLQVVLN[Ser188=]IFKAMLPLFH